The following is an entry in ClinVar:

ClinVar aggregate classification (germline): Uncertain significance (1 of 4 stars; one submission).

Conditions:
Atrioventricular septal defect 5 (AVSD5). Identifiers: MedGen C3280939, MONDO:0013769, OMIM 614474.

Allele frequency attached by ClinVar (database versions not stated): ExAC 0.00001; gnomAD 0.00001; TOPMed 0.00001; gnomAD exomes 0.00004.
gnomAD v4.1: 62 of 1,598,860 alleles (0.0039%); highest among the groups gnomAD compares: Non-Finnish European, 0.0053%; no homozygotes.

Submission:

Labcorp Genetics (formerly Invitae), Labcorp
Classification: Uncertain significance for Atrioventricular septal defect 5. Last evaluated: 2022-01-18. Review status: criteria provided, single submitter. Criteria: Invitae Variant Classification Sherloc (09022015). Collection method: clinical testing. Allele origin: germline.
Comment: This sequence change replaces proline, which is neutral and non-polar, with serine, which is neutral and polar, at codon 159 of the GATA6 protein (p.Pro159Ser). This variant is present in population databases (rs777512080, gnomAD 0.003%). This variant has not been reported in the literature in individuals affected with GATA6-related conditions. Algorithms developed to predict the effect of missense changes on protein structure and function (SIFT, PolyPhen-2, Align-GVGD) all suggest that this variant is likely to be tolerated. In summary, the available evidence is currently insufficient to determine the role of this variant in disease. Therefore, it has been classified as a Variant of Uncertain Significance.

NM_005257.6(GATA6):c.475C>T (p.Pro159Ser)

Gene: GATA6 (GATA binding protein 6; plus strand). Cytogenetic location: 18q11.2.
Variant type: single nucleotide variant.
Coding change: c.475C>T on transcript NM_005257.6 (MANE Select); coding-DNA position 475, C replaced by T.
Protein change: p.Pro159Ser; replaces proline 159 with serine.
Molecular consequence: missense variant.
Genome position (GRCh38, 1-based): chr18:22,171,619, C>T. VCF-style: chr18-22171619-C-T. GRCh37 (hg19) VCF-style: chr18-19751580-C-T.
Other names: short protein forms P159S.
Identifiers: ClinVar variation 2170478 (VCV002170478.1), dbSNP rs777512080, ClinGen allele CA8908890.